The following is an entry in ClinVar:

NM_000179.3(MSH6):c.3088A>T (p.Lys1030Ter)

Gene: MSH6 (mutS homolog 6; plus strand). Cytogenetic location: 2p16.3.
Variant type: single nucleotide variant.
Coding change: c.3088A>T on transcript NM_000179.3 (MANE Select); coding-DNA position 3088, A replaced by T.
Protein change: p.Lys1030Ter; replaces lysine 1030 with a stop codon.
Molecular consequence: nonsense.
Genome position (GRCh38, 1-based): chr2:47,801,071, A>T. VCF-style: chr2-47801071-A-T. GRCh37 (hg19) VCF-style: chr2-48028210-A-T.
Other names: c.2698A>T, p.Lys900Ter (NM_001281492.2); c.2182A>T, p.Lys728Ter (NM_001281493.2, NM_001281494.2); short protein forms K1030*, K900*, K728*.
Identifiers: ClinVar variation 428312 (VCV000428312.18), dbSNP rs1114167707, ClinGen allele CA346756575.

ClinVar aggregate classification (germline): Pathogenic/Likely pathogenic. Review status: criteria provided, multiple submitters, no conflicts (2 of 4 stars). 7 submissions from 7 submitters: Pathogenic (4); Likely pathogenic (2). 1 of the submissions does not count toward it. Last evaluated 2026-07-20.

Conditions:
MSH6-related disorder. Also called: MSH6-related condition; MSH6-Related disorders.
Hereditary cancer-predisposing syndrome. Also called: Neoplastic Syndromes, Hereditary; Hereditary neoplastic syndrome; Hereditary Cancer Syndrome; Tumor predisposition. Identifiers: Orphanet 140162, MedGen C0027672, MeSH D009386, MONDO:0015356.
Hereditary nonpolyposis colorectal neoplasms. Identifiers: MedGen C0009405, MeSH D003123.
Endometrial carcinoma. Also called: Endometrial carcinoma, somatic. Identifiers: MedGen C0476089, MONDO:0002447, OMIM 608089, HP:0012114.
Lynch syndrome 5 (LYNCH5). Also called: Colorectal cancer, hereditary nonpolyposis, type 5; Hereditary non-polyposis colorectal cancer, type 5. Identifiers: Orphanet 144, MedGen C1833477, MONDO:0013710, OMIM 614350. Disease mechanism: loss of function.

Submissions (7):

Ambry Genetics
Classification: Pathogenic for Hereditary cancer-predisposing syndrome. Last evaluated: 2026-07-20. Review status: criteria provided, single submitter. Criteria: Ambry Variant Classification Scheme 2023. Collection method: clinical testing. Allele origin: germline.
Comment: The p.K1030* pathogenic mutation (also known as c.3088A>T), located in coding exon 4 of the MSH6 gene, results from an A to T substitution at nucleotide position 3088. This changes the amino acid from a lysine to a stop codon within coding exon 4. This variant is considered to be rare based on population cohorts in the Genome Aggregation Database (gnomAD). This alteration is expected to result in loss of function by premature protein truncation or nonsense-mediated mRNA decay. As such, this alteration is interpreted as a disease-causing mutation.

Labcorp Genetics (formerly Invitae), Labcorp
Classification: Pathogenic for Hereditary nonpolyposis colorectal neoplasms. Last evaluated: 2024-04-08. Review status: criteria provided, single submitter. Criteria: Invitae Variant Classification Sherloc (09022015). Collection method: clinical testing. Allele origin: germline.
Comment: This sequence change creates a premature translational stop signal (p.Lys1030*) in the MSH6 gene. It is expected to result in an absent or disrupted protein product. Loss-of-function variants in MSH6 are known to be pathogenic (PMID: 18269114, 24362816). This variant is not present in population databases (gnomAD no frequency). This variant has not been reported in the literature in individuals affected with MSH6-related conditions. ClinVar contains an entry for this variant (Variation ID: 428312). For these reasons, this variant has been classified as Pathogenic.

GeneDx
Classification: Pathogenic. Last evaluated: 2024-02-27. Review status: criteria provided, single submitter. Criteria: GeneDx Variant Classification Process June 2021. Collection method: clinical testing. Allele origin: germline. Affected: yes.
Comment: Nonsense variant predicted to result in protein truncation or nonsense mediated decay in a gene for which loss of function is a known mechanism of disease; Not observed at significant frequency in large population cohorts (gnomAD); Truncating variants in this gene are considered pathogenic by a well-established clinical consortium and/or database; Has not been previously published as pathogenic or benign to our knowledge

Myriad Genetics, Inc.
Classification: Pathogenic for Lynch syndrome 5. Last evaluated: 2023-08-22. Review status: criteria provided, single submitter. Criteria: Myriad Autosomal Dominant, Autosomal Recessive and X-Linked Classification Criteria (2023). Collection method: clinical testing. Allele origin: unknown.
Comment: This variant is considered pathogenic. This variant creates a termination codon and is predicted to result in premature protein truncation.

Baylor Genetics
Classification: Likely pathogenic for Endometrial carcinoma. Last evaluated: 2022-04-11. Review status: criteria provided, single submitter. Criteria: ACMG Guidelines, 2015. Collection method: clinical testing. Allele origin: unknown.

Quest Diagnostics Nichols Institute San Juan Capistrano
Classification: Likely pathogenic. Last evaluated: 2020-05-29. Review status: criteria provided, single submitter. Criteria: Quest Diagnostics criteria. Collection method: clinical testing. Allele origin: unknown.
Comment: The variant creates a premature nonsense codon, and is therefore predicted to result in the loss of a functional protein. Not found in the total gnomAD dataset, and the data is high quality.

PreventionGenetics, part of Exact Sciences
Classification: Pathogenic for MSH6-related condition. Last evaluated: 2023-12-23. Review status: no assertion criteria provided. Collection method: clinical testing. Allele origin: germline. Not counted in ClinVar's aggregate classification.
Comment: The MSH6 c.3088A>T variant is predicted to result in premature protein termination (p.Lys1030*). To our knowledge, this variant has not been reported in the literature or in a large population database, indicating this variant is rare. Nonsense variants in MSH6 are expected to be pathogenic and this variant has been interpreted as likely pathogenic/pathogenic in ClinVar. This variant is interpreted as pathogenic.

Literature cited by the submitters: PubMed 18269114 (cited by Labcorp Genetics (formerly Invitae), Labcorp); PubMed 24362816 (cited by Labcorp Genetics (formerly Invitae), Labcorp).